The following is an entry in ClinVar:

ClinVar aggregate classification (germline): Uncertain significance (1 of 4 stars; one submission).

Submission:

Labcorp Genetics (formerly Invitae), Labcorp
Classification: Uncertain significance. Last evaluated: 2020-11-21. Review status: criteria provided, single submitter. Criteria: Invitae Variant Classification Sherloc (09022015). Collection method: clinical testing. Allele origin: germline.
Comment: In summary, the available evidence is currently insufficient to determine the role of this variant in disease. Therefore, it has been classified as a Variant of Uncertain Significance. Algorithms developed to predict the effect of missense changes on protein structure and function (SIFT, PolyPhen-2, Align-GVGD) all suggest that this variant is likely to be tolerated, but these predictions have not been confirmed by published functional studies and their clinical significance is uncertain. This variant has not been reported in the literature in individuals with CD2AP-related conditions. This variant is not present in population databases (ExAC no frequency). This sequence change replaces serine with threonine at codon 234 of the CD2AP protein (p.Ser234Thr). The serine residue is weakly conserved and there is a small physicochemical difference between serine and threonine.

NM_012120.3(CD2AP):c.701G>C (p.Ser234Thr)

Gene: CD2AP (CD2 associated protein; plus strand). Cytogenetic location: 6p12.3.
Variant type: single nucleotide variant.
Coding change: c.701G>C on transcript NM_012120.3 (MANE Select); coding-DNA position 701, G replaced by C.
Protein change: p.Ser234Thr; replaces serine 234 with threonine.
Molecular consequence: missense variant.
Genome position (GRCh38, 1-based): chr6:47,574,223, G>C. VCF-style: chr6-47574223-G-C. GRCh37 (hg19) VCF-style: chr6-47541959-G-C.
Other names: short protein forms S234T.
Identifiers: ClinVar variation 1502109 (VCV001502109.8), dbSNP rs1768239059, ClinGen allele CA363942276.
Genomic context (GRCh38, chr6:47,574,223, plus strand): 5'-TTGGATTTGGAGACATTTTTAAAGAAGGCTCTGTGAAACTTCGGACAAGAACATCCAGTA[G>C]TGAAACAGAAGAGAAAAAACCAGAAAAGGTGGTAATGATGGACTTGTTAGATTAACTCCA-3'
Protein context (NP_036252.1, residues 224-244): SVKLRTRTSS[Ser234Thr]ETEEKKPEKP